The following is an entry in ClinVar:

NM_003071.4(HLTF):c.1032C>A (p.Asn344Lys)

Gene: HLTF (helicase like transcription factor; minus strand). Cytogenetic location: 3q24.
Variant type: single nucleotide variant.
Coding change: c.1032C>A on transcript NM_003071.4 (MANE Select); coding-DNA position 1032, C replaced by A.
Protein change: p.Asn344Lys; replaces asparagine 344 with lysine.
Molecular consequence: missense variant.
Genome position (GRCh38, 1-based): chr3:149,064,825, G>T on the plus strand (C>A on the coding strand, the complement: HLTF is on the minus strand). VCF-style: chr3-149064825-G-T. GRCh37 (hg19) VCF-style: chr3-148782612-G-T.
Other names: c.1032C>A, p.Asn344Lys (NM_001318934.2, NM_001318935.2, NM_139048.3); short protein forms N344K.
Identifiers: ClinVar variation 3061131 (VCV003061131.2), dbSNP rs1274371121, ClinGen allele CA354903989.
Genomic context (GRCh38, chr3:149,064,825, plus strand): 5'-TGGATCATTTCAAAATTAGCATTTACCTTTGCTTAGTCCATCTGCCTTTTCACTGGTATT[G>T]TTTCCTCCAAGTTTCATAGAGTCATCGTTAACATTATATTCCTGGGTAAATAGGCATATT-3'
Protein context (NP_003062.2, residues 334-354): VNDDSMKLGG[Asn344Lys]NTSEKADGLS

ClinVar aggregate classification (germline): Uncertain significance (0 of 4 stars; one submission).

Conditions:
HLTF-related disorder. Also called: HLTF-related condition.

Allele frequency attached by ClinVar (database versions not stated): gnomAD exomes below 0.00001; TOPMed below 0.00001; gnomAD 0.00001.
gnomAD v4.1: 7 of 1,601,642 alleles (0.00044%); highest among the groups gnomAD compares: African/African-American, 0.0013%; no homozygotes.

Submission:

PreventionGenetics, part of Exact Sciences
Classification: Uncertain significance for HLTF-related condition. Last evaluated: 2024-02-09. Review status: no assertion criteria provided. Collection method: clinical testing. Allele origin: germline.
Comment: The HLTF c.1032C>A variant is predicted to result in the amino acid substitution p.Asn344Lys. To our knowledge, this variant has not been reported in the literature. This variant is reported in 0.00088% of alleles in individuals of European (Non-Finnish) descent in gnomAD. At this time, the clinical significance of this variant is uncertain due to the absence of conclusive functional and genetic evidence.